The following is an entry in ClinVar:

ClinVar aggregate classification (germline): Uncertain significance (1 of 4 stars; one submission).

Allele frequency attached by ClinVar (database versions not stated): TOPMed 0.00001; gnomAD exomes 0.00001.

Submission:

Labcorp Genetics (formerly Invitae), Labcorp
Classification: Uncertain significance. Last evaluated: 2026-01-20. Review status: criteria provided, single submitter. Criteria: Invitae Variant Classification Sherloc (09022015). Collection method: clinical testing. Allele origin: germline.
Comment: This sequence change replaces arginine, which is basic and polar, with glutamine, which is neutral and polar, at codon 112 of the CLCN7 protein (p.Arg112Gln). This variant is not present in population databases (gnomAD no frequency). This variant has not been reported in the literature in individuals affected with CLCN7-related conditions. ClinVar contains an entry for this variant (Variation ID: 2004859). Invitae Evidence Modeling of protein sequence and biophysical properties (such as structural, functional, and spatial information, amino acid conservation, physicochemical variation, residue mobility, and thermodynamic stability) indicates that this missense variant is not expected to disrupt CLCN7 protein function with a negative predictive value of 95%. In summary, the available evidence is currently insufficient to determine the role of this variant in disease. Therefore, it has been classified as a Variant of Uncertain Significance.

NM_001287.6(CLCN7):c.335G>A (p.Arg112Gln)

Gene: CLCN7 (Cl-/H+ antiporter 7; minus strand). Cytogenetic location: 16p13.3.
Variant type: single nucleotide variant.
Coding change: c.335G>A on transcript NM_001287.6 (MANE Select); coding-DNA position 335, G replaced by A.
Protein change: p.Arg112Gln; replaces arginine 112 with glutamine.
Molecular consequence: missense variant.
Genome position (GRCh38, 1-based): chr16:1,461,421, C>T on the plus strand (G>A on the coding strand, the complement: CLCN7 is on the minus strand). VCF-style: chr16-1461421-C-T. GRCh37 (hg19) VCF-style: chr16-1511422-C-T.
Other names: c.263G>A, p.Arg88Gln (NM_001114331.3); short protein forms R112Q, R88Q.
Identifiers: ClinVar variation 2004859 (VCV002004859.4), dbSNP rs1381111036, ClinGen allele CA394192873.
Genomic context (GRCh38, chr16:1,461,421, plus strand): 5'-GGCCCCGCACCGTGGGGCCCTGCAGGGAGCGGCGTCCAGCTCACCGTGTGATTGATCCGC[C>T]GCTCCTCCTCCAGGAACAGCTGGTTCTCACTGTTGTCATAGTCCAAGCTCTGCAGGCCGG-3'
Protein context (NP_001278.1, residues 102-122): SENQLFLEEE[Arg112Gln]RINHTAFRTV